The following is an entry in ClinVar:

NM_002397.5(MEF2C):c.645G>A (p.Gly215=)

Gene: MEF2C (myocyte enhancer factor 2C; minus strand). Cytogenetic location: 5q14.3.
Variant type: single nucleotide variant.
Coding change: c.645G>A on transcript NM_002397.5 (MANE Select); coding-DNA position 645, G replaced by A.
Protein change: p.Gly215=; no amino-acid change (glycine 215 retained).
Molecular consequence: synonymous variant.
Genome position (GRCh38, 1-based): chr5:88,731,894, C>T on the plus strand (G>A on the coding strand, the complement: MEF2C is on the minus strand). VCF-style: chr5-88731894-C-T. GRCh37 (hg19) VCF-style: chr5-88027711-C-T.
Other names: c.639G>A, p.Gly213= (NM_001131005.2, NM_001364343.2, NM_001364352.2); c.699G>A, p.Gly233= (NM_001193347.1, NM_001364338.2); c.501G>A, p.Gly167= (NM_001193348.1, NM_001193349.3, NM_001364332.2 and 3 more transcripts); c.645G>A, p.Gly215= (NM_001193350.2, NM_001308002.3, NM_001363581.2 and 18 more transcripts); c.267G>A, p.Gly89= (NM_001364353.2, NM_001364356.2); c.219G>A, p.Gly73= (NM_001364357.2).
Identifiers: ClinVar variation 1108331 (VCV001108331.33), dbSNP rs1406989584, ClinGen allele CA445370166.

ClinVar aggregate classification (germline): Likely benign. Review status: criteria provided, multiple submitters, no conflicts (2 of 4 stars). 2 submissions from 2 submitters: Likely benign (2). Last evaluated 2023-02-01.

Conditions:
Neurodevelopmental disorder with hypotonia, stereotypic hand movements, and impaired language. Also called: Intellectual disability, autosomal dominant 20. Identifiers: Orphanet 228384, Orphanet 664410, MedGen C3150700, MONDO:0013266, OMIM 613443.

Submissions (2):

CeGaT Center for Human Genetics Tuebingen
Classification: Likely benign. Last evaluated: 2023-02-01. Review status: criteria provided, single submitter. Criteria: CeGaT Center For Human Genetics Tuebingen Variant Classification Criteria Version 2. Collection method: clinical testing. Allele origin: germline. Affected: yes. Observed: 1 variant allele.
Comment: MEF2C: PM2:Supporting, BP4, BP7

Labcorp Genetics (formerly Invitae), Labcorp
Classification: Likely benign for Neurodevelopmental disorder with hypotonia, stereotypic hand movements, and impaired language. Last evaluated: 2022-06-08. Review status: criteria provided, single submitter. Criteria: Invitae Variant Classification Sherloc (09022015). Collection method: clinical testing. Allele origin: germline.